The following is an entry in ClinVar:

Conditions:
Long QT syndrome 5 (LQT5). Identifiers: Orphanet 101016, Orphanet 768, MedGen C1867904, MONDO:0013372, OMIM 613695.

Submission:

Roden Lab, Vanderbilt University Medical Center
No classification provided (evidence only). Condition: Long QT syndrome 5. Review status: no classification provided. Collection method: in vitro. Allele origin: not applicable. Functional consequence: Effect on ion channel function.
ClinVar note: "not provided" was previously submitted as the classification for the variant. However, the classification appeared to be based only on an observation of functional data so it was converted to no classification on 2025-07-30.

NM_000219.6(KCNE1):c.143T>G (p.Leu48Arg)

Gene: KCNE1 (potassium voltage-gated channel subfamily E regulatory subunit 1; minus strand). Cytogenetic location: 21q22.12.
Variant type: single nucleotide variant.
Coding change: c.143T>G on transcript NM_000219.6 (MANE Select); coding-DNA position 143, T replaced by G.
Protein change: p.Leu48Arg; replaces leucine 48 with arginine.
Molecular consequence: missense variant.
Genome position (GRCh38, 1-based): chr21:34,449,492, A>C on the plus strand (T>G on the coding strand, the complement: KCNE1 is on the minus strand). VCF-style: chr21-34449492-A-C. GRCh37 (hg19) VCF-style: chr21-35821790-A-C.
Other names: c.143T>G, p.Leu48Arg (NM_001127668.4, NM_001127669.4, NM_001127670.4 and 4 more transcripts); short protein forms L48R.
Identifiers: ClinVar variation 3374158 (VCV003374158.2).